The following is an entry in ClinVar:

ClinVar aggregate classification (germline): Uncertain significance. Review status: criteria provided, multiple submitters, no conflicts (2 of 4 stars). 2 submissions from 2 submitters: Uncertain significance (2). Last evaluated 2024-07-31.

Conditions:
Familial adenomatous polyposis 1 (FAP1). Also called: FAMILIAL ADENOMATOUS POLYPOSIS 1, ATTENUATED; POLYPOSIS, ADENOMATOUS INTESTINAL. Identifiers: MedGen C2713442, MONDO:0021056, OMIM 175100. Disease mechanism: loss of function.
Hereditary cancer-predisposing syndrome. Also called: Hereditary Cancer Syndrome; Neoplastic Syndromes, Hereditary; Tumor predisposition; Hereditary neoplastic syndrome. Identifiers: Orphanet 140162, MedGen C0027672, MeSH D009386, MONDO:0015356.

Submissions (2):

Ambry Genetics
Classification: Uncertain significance for Hereditary cancer-predisposing syndrome. Last evaluated: 2024-07-31. Review status: criteria provided, single submitter. Criteria: Ambry Variant Classification Scheme 2023. Collection method: clinical testing. Allele origin: germline.
Comment: The p.P2312S variant (also known as c.6934C>T), located in coding exon 15 of the APC gene, results from a C to T substitution at nucleotide position 6934. The proline at codon 2312 is replaced by serine, an amino acid with similar properties. This amino acid position is conserved. In addition, in silico predictors for this gene do not accurately predict pathogenicity. Based on the available evidence, the clinical significance of this variant remains unclear.

Labcorp Genetics (formerly Invitae), Labcorp
Classification: Uncertain significance for Familial adenomatous polyposis 1. Last evaluated: 2023-05-23. Review status: criteria provided, single submitter. Criteria: Invitae Variant Classification Sherloc (09022015). Collection method: clinical testing. Allele origin: germline.
Comment: This sequence change replaces proline, which is neutral and non-polar, with serine, which is neutral and polar, at codon 2312 of the APC protein (p.Pro2312Ser). This variant is not present in population databases (gnomAD no frequency). This variant has not been reported in the literature in individuals affected with APC-related conditions. Advanced modeling of protein sequence and biophysical properties (such as structural, functional, and spatial information, amino acid conservation, physicochemical variation, residue mobility, and thermodynamic stability) performed at Invitae indicates that this missense variant is not expected to disrupt APC protein function. In summary, the available evidence is currently insufficient to determine the role of this variant in disease. Therefore, it has been classified as a Variant of Uncertain Significance.

NM_000038.6(APC):c.6934C>T (p.Pro2312Ser)

Gene: APC (APC regulator of Wnt signaling pathway; plus strand). Cytogenetic location: 5q22.2.
Variant type: single nucleotide variant.
Coding change: c.6934C>T on transcript NM_000038.6 (MANE Select); coding-DNA position 6934, C replaced by T.
Protein change: p.Pro2312Ser; replaces proline 2312 with serine.
Molecular consequence: missense variant. On other transcripts: non-coding transcript variant (2).
Genome position (GRCh38, 1-based): chr5:112,842,528, C>T. VCF-style: chr5-112842528-C-T. GRCh37 (hg19) VCF-style: chr5-112178225-C-T.
Other names: c.6934C>T, p.Pro2312Ser (NM_001127510.3, NM_001354895.2, NM_001407450.1); c.6880C>T, p.Pro2294Ser (NM_001127511.3); c.6988C>T, p.Pro2330Ser (NM_001354896.2, NM_001407447.1, NM_001407448.1 and 1 more transcripts); c.6964C>T, p.Pro2322Ser (NM_001354897.2); c.6859C>T, p.Pro2287Ser (NM_001354898.2); c.6850C>T, p.Pro2284Ser (NM_001354899.2); c.6811C>T, p.Pro2271Ser (NM_001354900.2); c.6757C>T, p.Pro2253Ser (NM_001354901.2, NM_001407453.1); and 12 more; short protein forms P1928S, P2152S, P2284S, P2287S, P2294S, P2312S, P2322S, P2340S.
Identifiers: ClinVar variation 2743963 (VCV002743963.4), dbSNP rs1266863116, ClinGen allele CA16036455.